The following is an entry in ClinVar:

ClinVar aggregate classification (germline): Conflicting classifications of pathogenicity. Review status: criteria provided, conflicting classifications (1 of 4 stars). 11 submissions from 9 submitters: Uncertain significance (8); Benign (1); Likely benign (2). Last evaluated 2026-05-26.

Conditions:
KIT-related disorder. Also called: KIT-related condition.
Germ cell tumor of testis (TGCT). Also called: GERM CELL TUMOR, SOMATIC; Testicular germ cell tumor. Identifiers: Orphanet 363504, MedGen C1336708, MONDO:0010108, OMIM 273300.
Cutaneous mastocytosis. Also called: MASTOCYTOSIS, MACULOPAPULAR CUTANEOUS. Identifiers: Orphanet 66646, MedGen C1136033, MONDO:0019023, OMIM 154800, HP:0200151.
Acute myeloid leukemia (AML). Also called: Acute myeloid leukemia, adult; AML adult; Acute non-lymphocytic leukemia; Acute granulocytic leukemia; Leukemia, acute myelogenous, somatic; Leukemia, acute myeloid, somatic. Identifiers: Orphanet 519, MedGen C0023467, MeSH D015470, MONDO:0018874, OMIM 601626, HP:0004808. Disease mechanism: Constitutively activated FLT3.
Gastrointestinal stromal tumor. Also called: Gastrointestinal stroma tumor; Gastrointestinal stromal tumor, somatic. Identifiers: Orphanet 44890, MedGen C0238198, MeSH D046152, MONDO:0011719, OMIM 606764, HP:0100723.
Piebaldism. Also called: Piebald skin depigmentation. Identifiers: Orphanet 2884, MedGen C0080024, MONDO:0008244, OMIM 172800, HP:0007544.
Hereditary cancer-predisposing syndrome. Also called: Tumor predisposition; Hereditary Cancer Syndrome; Neoplastic Syndromes, Hereditary; Hereditary neoplastic syndrome. Identifiers: Orphanet 140162, MedGen C0027672, MeSH D009386, MONDO:0015356.
Mastocytosis. Also called: Mast Cell Disease. Identifiers: Orphanet 98292, MedGen C0024899, MONDO:0007950, HP:0100495.
Gastrointestinal stromal tumor, familial. Identifiers: MedGen C2674636.

Allele frequency attached by ClinVar (database versions not stated): ExAC 0.00004; gnomAD exomes 0.00004 and 0.00006; ESP Exome Variant Server 0.00008; gnomAD 0.00008 and 0.00009; TOPMed 0.00012.
gnomAD v4.1: 100 of 1,614,056 alleles (0.0062%); highest among the groups gnomAD compares: African/African-American, 0.023%; no homozygotes.

Submissions (11):

Myriad Genetics, Inc.
Classification: Likely benign for Gastrointestinal stromal tumor. Last evaluated: 2026-05-26. Review status: criteria provided, single submitter. Criteria: Myriad Autosomal Dominant, Autosomal Recessive and X-Linked Classification Criteria (2023). Collection method: clinical testing. Allele origin: unknown.
Comment: This variant is considered likely benign. This variant has been observed at a population frequency that is significantly greater than expected given the associated disease prevalence and penetrance.

Labcorp Genetics (formerly Invitae), Labcorp
Classification: Uncertain significance for Gastrointestinal stromal tumor. Last evaluated: 2026-01-10. Review status: criteria provided, single submitter. Criteria: Invitae Variant Classification Sherloc (09022015). Collection method: clinical testing. Allele origin: germline.
Comment: This sequence change replaces proline, which is neutral and non-polar, with leucine, which is neutral and non-polar, at codon 155 of the KIT protein (p.Pro155Leu). This variant is present in population databases (rs367719489, gnomAD 0.02%). This variant has not been reported in the literature in individuals affected with KIT-related conditions. ClinVar contains an entry for this variant (Variation ID: 225286). An algorithm developed to predict the effect of missense changes on protein structure and function (PolyPhen-2) suggests that this variant is likely to be tolerated. In summary, the available evidence is currently insufficient to determine the role of this variant in disease. Therefore, it has been classified as a Variant of Uncertain Significance.

PreventionGenetics, part of Exact Sciences
Classification: Uncertain significance for KIT-related condition. Last evaluated: 2025-09-20. Review status: criteria provided, single submitter. Criteria: ACMG Guidelines, 2015. Collection method: clinical testing. Allele origin: germline.
Comment: The KIT c.464C>T variant is predicted to result in the amino acid substitution p.Pro155Leu. To our knowledge, this variant has not been reported in the literature. This variant is reported in 0.024% of alleles in individuals of African descent in gnomAD and has conflicting interpretations in ClinVar ranging from uncertain significance to benign (Variation ID: 225286). Although we suspect that this variant may be benign, at this time, the clinical significance of this variant is uncertain due to the absence of conclusive functional and genetic evidence.

Ambry Genetics
Classification: Benign for Hereditary cancer-predisposing syndrome. Last evaluated: 2024-10-28. Review status: criteria provided, single submitter. Criteria: Ambry Variant Classification Scheme 2023. Collection method: clinical testing. Allele origin: germline.

Fulgent Genetics
Classification: Uncertain significance for Cutaneous mastocytosis; Piebaldism; Germ cell tumor of testis; Acute myeloid leukemia; Gastrointestinal stromal tumor. Last evaluated: 2024-05-20. Review status: criteria provided, single submitter. Criteria: ACMG Guidelines, 2015. Collection method: clinical testing. Allele origin: germline.

GeneDx
Classification: Uncertain significance. Last evaluated: 2024-01-03. Review status: criteria provided, single submitter. Criteria: GeneDx Variant Classification Process June 2021. Collection method: clinical testing. Allele origin: germline. Affected: yes.
Comment: In silico analysis supports that this missense variant has a deleterious effect on protein structure/function; Has not been previously published as pathogenic or benign to our knowledge

Mayo Clinic Laboratories, Mayo Clinic
Classification: Uncertain significance. Last evaluated: 2023-01-24. Review status: criteria provided, single submitter. Criteria: ACMG Guidelines, 2015. Collection method: clinical testing. Allele origin: germline. Observed: 2 variant alleles.
Comment: BP4

Illumina Laboratory Services, Illumina
Classification: Uncertain significance for Gastrointestinal stromal tumor. Last evaluated: 2018-01-13. Review status: criteria provided, single submitter. Criteria: ICSL Variant Classification Criteria 13 December 2019. Collection method: clinical testing. Allele origin: germline.

Illumina Laboratory Services, Illumina
Classification: Uncertain significance for Piebaldism. Last evaluated: 2018-01-13. Review status: criteria provided, single submitter. Criteria: ICSL Variant Classification Criteria 13 December 2019. Collection method: clinical testing. Allele origin: germline.

Illumina Laboratory Services, Illumina
Classification: Likely benign for Cutaneous mastocytosis. Last evaluated: 2018-01-13. Review status: criteria provided, single submitter. Criteria: ICSL Variant Classification Criteria 13 December 2019. Collection method: clinical testing. Allele origin: germline.
Comment: This variant was observed in the ICSL laboratory as part of a predisposition screen in an ostensibly healthy population. It had not been previously curated by ICSL or reported in the Human Gene Mutation Database (HGMD: prior to June 1st, 2018), and was therefore a candidate for classification through an automated scoring system. Utilizing variant allele frequency, disease prevalence and penetrance estimates, and inheritance mode, an automated score was calculated to assess if this variant is too frequent to cause the disease. Based on the score and internal cut-off values, a variant classified as likely benign is not then subjected to further curation. The score for this variant resulted in a classification of likely benign for this disease.

CSER _CC_NCGL, University of Washington
Classification: Uncertain significance for Gastrointestinal stromal tumor, familial. Last evaluated: 2015-12-01. Review status: criteria provided, single submitter. Criteria: Amendola et al. (Genome Res. 2015). Collection method: research. Allele origin: germline. Inheritance: Autosomal dominant inheritance. Study: CSER - NEXT Medicine variant annotation.
Comment: .GERP=5.750.ExAC Alt Allele Frequencies=AFR:0.0289%,NFE:0.0030%,EAS:0.0%,SAS:0.0%,FIN:0.0%,AMR:0.0%,OTH:0.0%.

NM_000222.3(KIT):c.464C>T (p.Pro155Leu)

Gene: KIT (KIT proto-oncogene, receptor tyrosine kinase; plus strand). Cytogenetic location: 4q12.
Variant type: single nucleotide variant.
Coding change: c.464C>T on transcript NM_000222.3 (MANE Select); coding-DNA position 464, C replaced by T.
Protein change: p.Pro155Leu; replaces proline 155 with leucine.
Molecular consequence: missense variant.
Genome position (GRCh38, 1-based): chr4:54,698,410, C>T. VCF-style: chr4-54698410-C-T. GRCh37 (hg19) VCF-style: chr4-55564576-C-T.
Other names: p.Pro155Leu; c.464C>T, p.Pro155Leu (NM_001093772.2, NM_001385284.1, NM_001385285.1 and 4 more transcripts); short protein forms P155L.
Identifiers: ClinVar variation 225286 (VCV000225286.25), dbSNP rs367719489, ClinGen allele CA358329.